The following is an entry in ClinVar:

NM_001365951.3(KIF1B):c.2797G>A (p.Asp933Asn)

Genes: KIF1B (kinesin family member 1B; plus strand), LOC126805614 (BRD4-independent group 4 enhancer GRCh37_chr1:10385546-10386745; plus strand). Cytogenetic location: 1p36.22.
Variant type: single nucleotide variant.
Coding change: c.2797G>A on transcript NM_001365951.3 (MANE Select); coding-DNA position 2797, G replaced by A.
Protein change: p.Asp933Asn; replaces aspartic acid 933 with asparagine.
Molecular consequence: missense variant.
Genome position (GRCh38, 1-based): chr1:10,326,232, G>A. VCF-style: chr1-10326232-G-A. GRCh37 (hg19) VCF-style: chr1-10386290-G-A.
Other names: c.2659G>A, p.Asp887Asn (NM_015074.3); c.2797G>A, p.Asp933Asn (NM_001365952.1); short protein forms D887N, D933N.
Identifiers: ClinVar variation 2561691 (VCV002561691.3), dbSNP rs2521639808, ClinGen allele CA338337178.

ClinVar aggregate classification (germline): Uncertain significance (1 of 4 stars; one submission).

Allele frequency attached by ClinVar (database versions not stated): gnomAD exomes below 0.00001.
gnomAD v4.1: 1 of 1,614,186 alleles (0.000062%); highest among the groups gnomAD compares: Non-Finnish European, 0.000085%; no homozygotes.

Submission:

Ambry Genetics
Classification: Uncertain significance. Last evaluated: 2025-09-19. Review status: criteria provided, single submitter. Criteria: Ambry Variant Classification Scheme 2023. Collection method: clinical testing. Allele origin: germline.
Comment: The p.D887N variant (also known as c.2659G>A), located in coding exon 24 of the KIF1B gene, results from a G to A substitution at nucleotide position 2659. The aspartic acid at codon 887 is replaced by asparagine, an amino acid with highly similar properties. This amino acid position is highly conserved in available vertebrate species. In addition, this alteration is predicted to be tolerated by in silico analysis. The evidence for this gene-disease relationship is limited; therefore, the clinical significance of this alteration is unclear.